The following is an entry in ClinVar:

NM_000179.3(MSH6):c.1596_1597del (p.Asn534fs)

Gene: MSH6 (mutS homolog 6; plus strand). Cytogenetic location: 2p16.3.
Variant type: Deletion.
Coding change: c.1596_1597del on transcript NM_000179.3 (MANE Select); coding-DNA positions 1596 to 1597, 2 bases deleted (TG; older notation c.1596_1597delTG).
Protein change: p.Asn534fs; shifts the reading frame from asparagine 534.
Molecular consequence: frameshift variant.
Genome position (GRCh38, 1-based): chr2:47,799,579-47,799,580, TG deleted. VCF-style (leftmost placement, unchanged base first): chr2-47799578-CTG-C. GRCh37 (hg19) VCF-style: chr2-48026717-CTG-C.
Other names: c.1206_1207del, p.Asn404fs (NM_001281492.2); c.690_691del, p.Asn232fs (NM_001281493.2, NM_001281494.2); c.1596_1597delTG (NM_000179.2); short protein forms N534fs, N232fs, N404fs.
Identifiers: ClinVar variation 420274 (VCV000420274.9), dbSNP rs1064794388, ClinGen allele CA16617654.

ClinVar aggregate classification (germline): Pathogenic. Review status: criteria provided, multiple submitters, no conflicts (2 of 4 stars). 4 submissions from 4 submitters: Pathogenic (4). Last evaluated 2023-06-27.

Conditions:
Hereditary nonpolyposis colorectal neoplasms. Identifiers: MedGen C0009405, MeSH D003123.
Lynch syndrome 5 (LYNCH5). Also called: Hereditary non-polyposis colorectal cancer, type 5; Colorectal cancer, hereditary nonpolyposis, type 5. Identifiers: Orphanet 144, MedGen C1833477, MONDO:0013710, OMIM 614350. Disease mechanism: loss of function.
Hereditary cancer-predisposing syndrome. Also called: Hereditary neoplastic syndrome; Tumor predisposition; Neoplastic Syndromes, Hereditary; Hereditary Cancer Syndrome. Identifiers: Orphanet 140162, MedGen C0027672, MeSH D009386, MONDO:0015356.

Submissions (4):

Myriad Genetics, Inc.
Classification: Pathogenic for Lynch syndrome 5. Last evaluated: 2023-06-27. Review status: criteria provided, single submitter. Criteria: Myriad Autosomal Dominant, Autosomal Recessive and X-Linked Classification Criteria (2023). Collection method: clinical testing. Allele origin: unknown.
Comment: This variant is considered pathogenic. This variant creates a frameshift predicted to result in premature protein truncation.

Labcorp Genetics (formerly Invitae), Labcorp
Classification: Pathogenic for Hereditary nonpolyposis colorectal neoplasms. Last evaluated: 2023-01-28. Review status: criteria provided, single submitter. Criteria: Invitae Variant Classification Sherloc (09022015). Collection method: clinical testing. Allele origin: germline.
Comment: This sequence change creates a premature translational stop signal (p.Asn534Leufs*3) in the MSH6 gene. It is expected to result in an absent or disrupted protein product. Loss-of-function variants in MSH6 are known to be pathogenic (PMID: 18269114, 24362816). This variant is not present in population databases (gnomAD no frequency). This variant has not been reported in the literature in individuals affected with MSH6-related conditions. ClinVar contains an entry for this variant (Variation ID: 420274). For these reasons, this variant has been classified as Pathogenic.

Ambry Genetics
Classification: Pathogenic for Hereditary cancer-predisposing syndrome. Last evaluated: 2022-02-24. Review status: criteria provided, single submitter. Criteria: Ambry Variant Classification Scheme 2023. Collection method: clinical testing. Allele origin: germline.
Comment: The c.1596_1597delTG pathogenic mutation, located in coding exon 4 of the MSH6 gene, results from a deletion of two nucleotides at nucleotide positions 1596 to 1597, causing a translational frameshift with a predicted alternate stop codon (p.N534Lfs*3). This variant is considered to be rare based on population cohorts in the Genome Aggregation Database (gnomAD). This alteration is expected to result in loss of function by premature protein truncation or nonsense-mediated mRNA decay. As such, this alteration is interpreted as a disease-causing mutation.

GeneDx
Classification: Pathogenic. Last evaluated: 2016-07-19. Review status: criteria provided, single submitter. Criteria: GeneDx Variant Classification (06012015). Collection method: clinical testing. Allele origin: germline. Affected: yes.
Comment: This deletion of two nucleotides in MSH6 is denoted c.1596_1597delTG at the cDNA level and p.Asn534LeufsX3 (N534LfsX3) at the protein level. The normal sequence, with the bases that are deleted in braces, is CCTC[TG]AGAA. The deletion causes a frameshift, which changes an Asparagine to a Leucine at codon 534, and creates a premature stop codon at position 3 of the new reading frame. Although this variant has not, to our knowledge, been reported in the literature, it is predicted to cause loss of normal protein function through either protein truncation or nonsense-mediated mRNA decay. Based on the currently available information, we consider this deletion to be pathogenic.

Literature cited by the submitters: PubMed 18269114 (cited by Labcorp Genetics (formerly Invitae), Labcorp); PubMed 24362816 (cited by Labcorp Genetics (formerly Invitae), Labcorp).